The following is an entry in ClinVar:

ClinVar aggregate classification (germline): Conflicting classifications of pathogenicity. Review status: criteria provided, conflicting classifications (1 of 4 stars). 2 submissions from 2 submitters: Uncertain significance (1); Likely benign (1). Last evaluated 2024-06-10.

Allele frequency attached by ClinVar (database versions not stated): gnomAD exomes below 0.00001; TOPMed 0.00001.
gnomAD v4.1: 2 of 1,614,146 alleles (0.00012%); highest among the groups gnomAD compares: East Asian, 0.0045%; no homozygotes.

Submissions (2):

Women's Health and Genetics/Laboratory Corporation of America, LabCorp
Classification: Uncertain significance. Last evaluated: 2024-06-10. Review status: criteria provided, single submitter. Criteria: LabCorp Variant Classification Summary - May 2015. Collection method: clinical testing. Allele origin: germline.
Comment: Variant summary: COL7A1 c.6949G>A (p.Gly2317Ser) results in a non-conservative amino acid change in the encoded protein sequence. Three of five in-silico tools predict a benign effect of the variant on protein function. The variant allele was found at a frequency of 1.6e-05 in 251446 control chromosomes. The available data on variant occurrences in the general population are insufficient to allow any conclusion about variant significance. To our knowledge, no occurrence of c.6949G>A in individuals affected with Dystrophic Epidermolysis Bullosa, Recessive and no experimental evidence demonstrating its impact on protein function have been reported. ClinVar contains an entry for this variant (Variation ID: 2885825). Based on the evidence outlined above, the variant was classified as uncertain significance.

Labcorp Genetics (formerly Invitae), Labcorp
Classification: Likely benign. Last evaluated: 2023-12-04. Review status: criteria provided, single submitter. Criteria: Invitae Variant Classification Sherloc (09022015). Collection method: clinical testing. Allele origin: germline.

NM_000094.4(COL7A1):c.6949G>A (p.Gly2317Ser)

Gene: COL7A1 (collagen type VII alpha 1 chain; minus strand). Cytogenetic location: 3p21.31.
Variant type: single nucleotide variant.
Coding change: c.6949G>A on transcript NM_000094.4 (MANE Select); coding-DNA position 6949, G replaced by A.
Protein change: p.Gly2317Ser; replaces glycine 2317 with serine.
Molecular consequence: missense variant.
Genome position (GRCh38, 1-based): chr3:48,572,409, C>T on the plus strand (G>A on the coding strand, the complement: COL7A1 is on the minus strand). VCF-style: chr3-48572409-C-T. GRCh37 (hg19) VCF-style: chr3-48609842-C-T.
Other names: short protein forms G2317S.
Identifiers: ClinVar variation 2885825 (VCV002885825.4), dbSNP rs1349423783, ClinGen allele CA352652750.
Genomic context (GRCh38, chr3:48,572,409, plus strand): 5'-GAACATCTGCTGTCAGAAGTTCCCTACTTACCGGCTCACCCACCAGGTCTCCAGCAAGGC[C>T]TCCAGGGGCTCCCTGGTAAGGGGGAGAGGTCAGTGGGATTCCTTGGCCCCCACCAGTTGA-3'
Protein context (NP_000085.1, residues 2307-2327): GAKGEKGAPG[Gly2317Ser]LAGDLVGEPG